The following is an entry in ClinVar:

ClinVar aggregate classification (germline): Conflicting classifications of pathogenicity. Review status: criteria provided, conflicting classifications (1 of 4 stars). 11 submissions from 11 submitters: Uncertain significance (2); Likely benign (5). 4 of the submissions do not count toward it. Last evaluated 2026-04-01.

Conditions:
PKHD1-related disorder. Also called: PKHD1-related condition.
Autosomal recessive polycystic kidney disease (ARPKD). Also called: AR polycystic kidney disease. Identifiers: Orphanet 731, Orphanet 8378, MedGen C0085548, MeSH D017044, MONDO:0009889.
Polycystic kidney disease 4 (PKD4). Also called: POLYCYSTIC KIDNEY DISEASE 4 WITH OR WITHOUT POLYCYSTIC LIVER DISEASE; PKD3; Autosomal Recessive Polycystic Kidney Disease – PKHD1; POLYCYSTIC KIDNEY AND HEPATIC DISEASE 1; POLYCYSTIC KIDNEY DISEASE, INFANTILE, TYPE I. Identifiers: MedGen C4540575, MONDO:0033004, OMIM 263200.

Allele frequency attached by ClinVar (database versions not stated): 1000 Genomes Project 30x 0.00031; 1000 Genomes Project 0.00040; ESP Exome Variant Server 0.00131; gnomAD 0.00132 and 0.00140; gnomAD exomes 0.00143 and 0.00220; ExAC 0.00157; TOPMed 0.00158.
gnomAD v4.1: 3,373 of 1,606,254 alleles (0.21%); highest among the groups gnomAD compares: Non-Finnish European, 0.26%; 7 homozygotes.

Submissions (11):

CeGaT Center for Human Genetics Tuebingen
Classification: Likely benign. Last evaluated: 2026-04-01. Review status: criteria provided, single submitter. Criteria: CeGaT Center For Human Genetics Tuebingen Variant Classification Criteria Version 2. Collection method: clinical testing. Allele origin: germline. Affected: yes. Observed: 3 variant alleles.
Comment: PKHD1: BS2

Labcorp Genetics (formerly Invitae), Labcorp
Classification: Likely benign for Autosomal recessive polycystic kidney disease. Last evaluated: 2026-02-01. Review status: criteria provided, single submitter. Criteria: Invitae Variant Classification Sherloc (09022015). Collection method: clinical testing. Allele origin: germline.

Blueprint Genetics
Classification: Likely benign. Last evaluated: 2024-11-21. Review status: criteria provided, single submitter. Criteria: ACMG Guidelines, 2015. Collection method: clinical testing. Allele origin: germline.

Department of Pathology and Laboratory Medicine, Sinai Health System
Classification: Uncertain significance for Polycystic kidney disease 4. Last evaluated: 2023-03-01. Review status: criteria provided, single submitter. Criteria: ACMG Guidelines, 2015. Collection method: clinical testing. Allele origin: germline. Affected: yes.

GeneDx
Classification: Likely benign. Last evaluated: 2021-02-25. Review status: criteria provided, single submitter. Criteria: GeneDx Variant Classification Process June 2021. Collection method: clinical testing. Allele origin: germline. Affected: yes.

Illumina Laboratory Services, Illumina
Classification: Uncertain significance for Polycystic kidney disease 4. Last evaluated: 2018-01-13. Review status: criteria provided, single submitter. Criteria: ICSL Variant Classification Criteria 13 December 2019. Collection method: clinical testing. Allele origin: germline.

Eurofins Ntd Llc (ga)
Classification: Likely benign. Last evaluated: 2016-07-15. Review status: criteria provided, single submitter. Criteria: EGL Classification Definitions 2015. Collection method: clinical testing. Allele origin: germline. Observed: 1 variant allele, 1 heterozygote.

PreventionGenetics, part of Exact Sciences
Classification: Likely benign for PKHD1-related condition. Last evaluated: 2022-02-02. Review status: no assertion criteria provided. Collection method: clinical testing. Allele origin: germline. Not counted in ClinVar's aggregate classification.
Comment: This variant is classified as likely benign based on ACMG/AMP sequence variant interpretation guidelines (Richards et al. 2015 PMID: 25741868, with internal and published modifications).

Natera, Inc.
Classification: Likely benign for Autosomal recessive polycystic kidney disease. Last evaluated: 2020-04-19. Review status: no assertion criteria provided. Collection method: clinical testing. Allele origin: germline. Not counted in ClinVar's aggregate classification.

Genome Diagnostics Laboratory, University Medical Center Utrecht
Classification: Likely benign. Review status: no assertion criteria provided. Collection method: clinical testing. Allele origin: germline. Affected: yes. Study: VKGL Data-share Consensus. Not counted in ClinVar's aggregate classification.

Laboratory of Diagnostic Genome Analysis, Leiden University Medical Center (LUMC)
Classification: Likely benign. Review status: no assertion criteria provided. Collection method: clinical testing. Allele origin: germline. Affected: yes. Study: VKGL Data-share Consensus. Not counted in ClinVar's aggregate classification.

Literature cited by the submitters: PubMed 16133180 (cited by Department of Pathology and Laboratory Medicine, Sinai Health System).

NM_138694.4(PKHD1):c.11338C>T (p.Pro3780Ser)

Gene: PKHD1 (PKHD1 ciliary IPT domain containing fibrocystin/polyductin; minus strand). Cytogenetic location: 6p12.3.
Variant type: single nucleotide variant.
Coding change: c.11338C>T on transcript NM_138694.4 (MANE Select); coding-DNA position 11338, C replaced by T.
Protein change: p.Pro3780Ser; replaces proline 3780 with serine.
Molecular consequence: missense variant.
Genome position (GRCh38, 1-based): chr6:51,648,091, G>A on the plus strand (C>T on the coding strand, the complement: PKHD1 is on the minus strand). VCF-style: chr6-51648091-G-A. GRCh37 (hg19) VCF-style: chr6-51512889-G-A.
Other names: short protein forms P3780S.
Identifiers: ClinVar variation 216820 (VCV000216820.46), dbSNP rs41273722, ClinGen allele CA337383.